The following is an entry in ClinVar:

ClinVar aggregate classification (germline): Likely benign. Review status: criteria provided, multiple submitters, no conflicts (2 of 4 stars). 3 submissions from 3 submitters: Likely benign (2). 1 of the submissions does not count toward it. Last evaluated 2026-01-19.

Conditions:
XYLT2-related disorder. Also called: XYLT2-related condition.

Allele frequency attached by ClinVar (database versions not stated): gnomAD 0.00007 and 0.00009; TOPMed 0.00015; ExAC 0.00018.
gnomAD v4.1: 105 of 1,612,270 alleles (0.0065%); highest among the groups gnomAD compares: East Asian, 0.15%; no homozygotes.

Submissions (3):

Labcorp Genetics (formerly Invitae), Labcorp
Classification: Likely benign. Last evaluated: 2026-01-19. Review status: criteria provided, single submitter. Criteria: Invitae Variant Classification Sherloc (09022015). Collection method: clinical testing. Allele origin: germline.

Blueprint Genetics
Classification: Likely benign. Last evaluated: 2024-11-27. Review status: criteria provided, single submitter. Criteria: ACMG Guidelines, 2015. Collection method: clinical testing. Allele origin: germline.

PreventionGenetics, part of Exact Sciences
Classification: Likely benign for XYLT2-related condition. Last evaluated: 2020-01-15. Review status: no assertion criteria provided. Collection method: clinical testing. Allele origin: germline. Not counted in ClinVar's aggregate classification.
Comment: This variant is classified as likely benign based on ACMG/AMP sequence variant interpretation guidelines (Richards et al. 2015 PMID: 25741868, with internal and published modifications).

NM_022167.4(XYLT2):c.2010C>T (p.Asp670=)

Gene: XYLT2 (xylosyltransferase 2; plus strand). Cytogenetic location: 17q21.33.
Variant type: single nucleotide variant.
Coding change: c.2010C>T on transcript NM_022167.4 (MANE Select); coding-DNA position 2010, C replaced by T.
Protein change: p.Asp670=; no amino-acid change (aspartic acid 670 retained).
Molecular consequence: synonymous variant.
Genome position (GRCh38, 1-based): chr17:50,358,275, C>T. VCF-style: chr17-50358275-C-T. GRCh37 (hg19) VCF-style: chr17-48435636-C-T.
Identifiers: ClinVar variation 744986 (VCV000744986.11), dbSNP rs781014261, ClinGen allele CA8646640.